The following is an entry in ClinVar:

ClinVar aggregate classification (germline): Likely benign. Review status: criteria provided, single submitter (1 of 4 stars). 2 submissions from 2 submitters: Likely benign (1). 1 of the submissions does not count toward it. Last evaluated 2023-07-19.

Conditions:
Alpha-1-antitrypsin deficiency (A1ATD). Also called: Alpha1-Antitrypsin Deficiency; AAT deficiency; A1AT deficiency. Identifiers: Orphanet 60, MedGen C0221757, MONDO:0013282, OMIM 613490.
SERPINA1-related disorder. Also called: SERPINA1-related condition; SerpinA1-related disorders.

Allele frequency attached by ClinVar (database versions not stated): gnomAD 0.00001.

Submissions (2):

Labcorp Genetics (formerly Invitae), Labcorp
Classification: Likely benign for Alpha-1-antitrypsin deficiency. Last evaluated: 2023-07-19. Review status: criteria provided, single submitter. Criteria: Invitae Variant Classification Sherloc (09022015). Collection method: clinical testing. Allele origin: germline.

PreventionGenetics, part of Exact Sciences
Classification: Likely benign for SERPINA1-related condition. Last evaluated: 2021-10-21. Review status: no assertion criteria provided. Collection method: clinical testing. Allele origin: germline. Not counted in ClinVar's aggregate classification.
Comment: This variant is classified as likely benign based on ACMG/AMP sequence variant interpretation guidelines (Richards et al. 2015 PMID: 25741868, with internal and published modifications).

NM_000295.5(SERPINA1):c.1092C>T (p.Ile364=)

Gene: SERPINA1 (serpin family A member 1; minus strand). Cytogenetic location: 14q32.13.
Variant type: single nucleotide variant.
Coding change: c.1092C>T on transcript NM_000295.5 (MANE Select); coding-DNA position 1092, C replaced by T.
Protein change: p.Ile364=; no amino-acid change (isoleucine 364 retained).
Molecular consequence: synonymous variant.
Genome position (GRCh38, 1-based): chr14:94,378,614, G>A on the plus strand (C>T on the coding strand, the complement: SERPINA1 is on the minus strand). VCF-style: chr14-94378614-G-A. GRCh37 (hg19) VCF-style: chr14-94844951-G-A.
Other names: c.1092C>T, p.Ile364= (NM_001002235.3, NM_001002236.3, NM_001127700.2 and 7 more transcripts); c.1092C>T (NM_000295.4).
Identifiers: ClinVar variation 1094495 (VCV001094495.11), dbSNP rs772289957, ClinGen allele CA7327284.